The following is an entry in ClinVar:

ClinVar aggregate classification (germline): Uncertain significance (1 of 4 stars; one submission).

Allele frequency attached by ClinVar (database versions not stated): gnomAD 0.00002; gnomAD exomes 0.00002; TOPMed 0.00002; ExAC 0.00003.
gnomAD v4.1: 36 of 1,613,260 alleles (0.0022%); highest among the groups gnomAD compares: Admixed American, 0.005%; no homozygotes.

Submission:

Labcorp Genetics (formerly Invitae), Labcorp
Classification: Uncertain significance. Last evaluated: 2025-09-02. Review status: criteria provided, single submitter. Criteria: Invitae Variant Classification Sherloc (09022015). Collection method: clinical testing. Allele origin: germline.
Comment: This sequence change replaces valine, which is neutral and non-polar, with isoleucine, which is neutral and non-polar, at codon 4165 of the HMCN1 protein (p.Val4165Ile). This variant is present in population databases (rs781462752, gnomAD 0.01%). This variant has not been reported in the literature in individuals affected with HMCN1-related conditions. ClinVar contains an entry for this variant (Variation ID: 2046800). An algorithm developed to predict the effect of missense changes on protein structure and function (PolyPhen-2) suggests that this variant is likely to be disruptive. In summary, the available evidence is currently insufficient to determine the role of this variant in disease. Therefore, it has been classified as a Variant of Uncertain Significance.

NM_031935.3(HMCN1):c.12493G>A (p.Val4165Ile)

Gene: HMCN1 (hemicentin 1; plus strand). Cytogenetic location: 1q31.1.
Variant type: single nucleotide variant.
Coding change: c.12493G>A on transcript NM_031935.3 (MANE Select); coding-DNA position 12493, G replaced by A.
Protein change: p.Val4165Ile; replaces valine 4165 with isoleucine.
Molecular consequence: missense variant.
Genome position (GRCh38, 1-based): chr1:186,123,214, G>A. VCF-style: chr1-186123214-G-A. GRCh37 (hg19) VCF-style: chr1-186092346-G-A.
Other names: short protein forms V4165I.
Identifiers: ClinVar variation 2046800 (VCV002046800.4), dbSNP rs781462752, ClinGen allele CA1294369.